The following is an entry in ClinVar:

NM_001323289.2(CDKL5):c.2549del (p.Asn850fs)

Gene: CDKL5 (cyclin dependent kinase like 5; plus strand). Cytogenetic location: Xp22.13.
Variant type: Deletion.
Coding change: c.2549del on transcript NM_001323289.2 (MANE Select); coding-DNA position 2549, one base deleted (A; older notation c.2549delA).
Protein change: p.Asn850fs; shifts the reading frame from asparagine 850.
Molecular consequence: frameshift variant.
Genome position (GRCh38, 1-based): chrX:18,628,423, A deleted; the last of 3 consecutive A bases (chrX:18,628,421-18,628,423); deleting any one gives the same sequence. VCF-style (leftmost placement, unchanged base first): chrX-18628420-CA-C. GRCh37 (hg19) VCF-style: chrX-18646540-CA-C.
Other names: c.2549del, p.Asn850fs (NM_001037343.2, NM_003159.3); c.2549delA (NM_003159.2); short protein forms N850fs.
Identifiers: ClinVar variation 156653 (VCV000156653.1), dbSNP rs587783125, ClinGen allele CA294691.
Genomic context (GRCh38, chrX:18,628,420, plus strand): 5'-CTTTCTTTCAGAGCCAGCCATTAAAATCACTGCGCAAGTTGTTACATCTCTCTTCGGCCT[CA>C]AATCACCCGGCTTCCTCAGATCCCCGCTTCCAGCCCTTAACAGCTCAACAAACCAAAAAT-3'

ClinVar aggregate classification (germline): Pathogenic (1 of 4 stars; one submission).

Submission:

GeneDx
Classification: Pathogenic. Last evaluated: 2013-05-07. Review status: criteria provided, single submitter. Criteria: GeneDx Variant Classification (06012015). Collection method: clinical testing. Allele origin: germline. Affected: yes.
Comment: The c.2549delA mutation in the CDKL5 gene causes a frameshift starting with codon Asparagine 850, changes this amino acid to an Isoleucine residue and creates a premature Stop codon at position 13 of the new reading frame, denoted p.Asn850IlefsX13. This mutation is predicted to cause loss of normal protein function either through protein truncation or nonsense-mediated mRNA decay. Although this mutation has not been reported previously to our knowledge, other frameshift mutations have been reported in CDKL5 in association with epilepsy. The variant is found in INFANT-EPI panel(s).